The following is an entry in ClinVar:

NM_001257180.2(SLC20A2):c.1157dup (p.Tyr386Ter)

Gene: SLC20A2 (solute carrier family 20 member 2; minus strand). Cytogenetic location: 8p11.21.
Variant type: Duplication.
Coding change: c.1157dup on transcript NM_001257180.2 (MANE Select); coding-DNA position 1157, one base duplicated (A; older notation c.1157dupA).
Protein change: p.Tyr386Ter; replaces tyrosine 386 with a stop codon.
Molecular consequence: nonsense.
Genome position (GRCh38, 1-based): chr8:42,437,355, T duplicated on the plus strand (A on the coding strand, the reverse complement: SLC20A2 is on the minus strand). VCF-style (leftmost placement, unchanged base first): chr8-42437354-G-GT. GRCh37 (hg19) VCF-style: chr8-42294872-G-GT.
Other names: c.1157dup, p.Tyr386Ter (NM_001257181.2, NM_006749.5); short protein forms Y386*.
Identifiers: ClinVar variation 2884014 (VCV002884014.3), dbSNP rs769623826, ClinGen allele CA4733374.

ClinVar aggregate classification (germline): Pathogenic (1 of 4 stars; one submission).

Allele frequency attached by ClinVar (database versions not stated): gnomAD exomes below 0.00001; ExAC 0.00001.

Submission:

Labcorp Genetics (formerly Invitae), Labcorp
Classification: Pathogenic. Last evaluated: 2023-09-19. Review status: criteria provided, single submitter. Criteria: Invitae Variant Classification Sherloc (09022015). Collection method: clinical testing. Allele origin: germline.
Comment: For these reasons, this variant has been classified as Pathogenic. This variant is also known as c.1157_1158insA. This premature translational stop signal has been observed in individual(s) with primary familial brain calcification (PMID: 30609140, 31003906). This variant is present in population databases (rs769623826, gnomAD 0.0009%). This sequence change creates a premature translational stop signal (p.Tyr386*) in the SLC20A2 gene. It is expected to result in an absent or disrupted protein product. Loss-of-function variants in SLC20A2 are known to be pathogenic (PMID: 23334463).

Literature cited by the submitters: PubMed 30609140; PubMed 31003906; PubMed 23334463.